The following is an entry in ClinVar:

NM_006005.3(WFS1):c.1027T>C (p.Phe343Leu)

Gene: WFS1 (wolframin ER transmembrane glycoprotein; plus strand). Cytogenetic location: 4p16.1.
Variant type: single nucleotide variant.
Coding change: c.1027T>C on transcript NM_006005.3 (MANE Select); coding-DNA position 1027, T replaced by C.
Protein change: p.Phe343Leu; replaces phenylalanine 343 with leucine.
Molecular consequence: missense variant.
Genome position (GRCh38, 1-based): chr4:6,300,822, T>C. VCF-style: chr4-6300822-T-C. GRCh37 (hg19) VCF-style: chr4-6302549-T-C.
Other names: c.1027T>C, p.Phe343Leu (NM_001145853.1); short protein forms F343L.
Identifiers: ClinVar variation 4763026 (VCV004763026.1).
Genomic context (GRCh38, chr4:6,300,822, plus strand): 5'-CACATCAACGCGCTCATCTTCTTCTTCATCGTCAGCAACCTCACCATCGACTTCTTCGCC[T>C]TCTTCATCCCGCTGGTCATCTTCTACCTGTCCTTCATCTCCATGGTGATCTGCACCCTCA-3'
Protein context (NP_005996.2, residues 333-353): VSNLTIDFFA[Phe343Leu]FIPLVIFYLS

ClinVar aggregate classification (germline): Uncertain significance (1 of 4 stars; one submission).

gnomAD v4.1: 2 of 1,614,046 alleles (0.00012%); highest among the groups gnomAD compares: Non-Finnish European, 0.00017%; no homozygotes.

Submission:

Labcorp Genetics (formerly Invitae), Labcorp
Classification: Uncertain significance. Last evaluated: 2025-02-27. Review status: criteria provided, single submitter. Criteria: Invitae Variant Classification Sherloc (09022015). Collection method: clinical testing. Allele origin: germline.
Comment: This sequence change replaces phenylalanine, which is neutral and non-polar, with leucine, which is neutral and non-polar, at codon 343 of the WFS1 protein (p.Phe343Leu). This variant is not present in population databases (gnomAD no frequency). This variant has not been reported in the literature in individuals affected with WFS1-related conditions. Invitae Evidence Modeling of protein sequence and biophysical properties (such as structural, functional, and spatial information, amino acid conservation, physicochemical variation, residue mobility, and thermodynamic stability) indicates that this missense variant is not expected to disrupt WFS1 protein function with a negative predictive value of 95%. In summary, the available evidence is currently insufficient to determine the role of this variant in disease. Therefore, it has been classified as a Variant of Uncertain Significance.